The following is an entry in ClinVar:

ClinVar aggregate classification (germline): Uncertain significance. Review status: criteria provided, multiple submitters, no conflicts (2 of 4 stars). 2 submissions from 2 submitters: Uncertain significance (2). Last evaluated 2025-05-02.

Conditions:
Inborn genetic diseases. Identifiers: MedGen C0950123, MeSH D030342.

Submissions (2):

Ambry Genetics
Classification: Uncertain significance for Inborn genetic diseases. Last evaluated: 2025-05-02. Review status: criteria provided, single submitter. Criteria: Ambry Variant Classification Scheme 2023. Collection method: clinical testing. Allele origin: germline.
Comment: The p.E906Q variant (also known as c.2716G>C), located in coding exon 28 of the RTEL1 gene, results from a G to C substitution at nucleotide position 2716. The glutamic acid at codon 906 is replaced by glutamine, an amino acid with highly similar properties. This amino acid position is conserved. In addition, this alteration is predicted to be tolerated by in silico analysis. Based on the available evidence, the clinical significance of this variant remains unclear.

Blueprint Genetics
Classification: Uncertain significance. Last evaluated: 2024-03-26. Review status: criteria provided, single submitter. Criteria: ACMG Guidelines, 2015. Collection method: clinical testing. Allele origin: germline.

NM_001283009.2(RTEL1):c.2716G>C (p.Glu906Gln)

Genes: RTEL1 (regulator of telomere elongation helicase 1; plus strand), RTEL1-TNFRSF6B (RTEL1-TNFRSF6B readthrough (NMD candidate); plus strand). Cytogenetic location: 20q13.33.
Variant type: single nucleotide variant.
Coding change: c.2716G>C on transcript NM_001283009.2 (MANE Select); coding-DNA position 2716, G replaced by C.
Protein change: p.Glu906Gln; replaces glutamic acid 906 with glutamine.
Molecular consequence: missense variant. On other transcripts: non-coding transcript variant (1).
Genome position (GRCh38, 1-based): chr20:63,692,868, G>C. VCF-style: chr20-63692868-G-C. GRCh37 (hg19) VCF-style: chr20-62324221-G-C.
Other names: c.2047G>C, p.Glu683Gln (NM_001283010.1); c.2716G>C, p.Glu906Gln (NM_016434.4); c.2788G>C, p.Glu930Gln (NM_032957.5); short protein forms E906Q, E930Q, E683Q.
Identifiers: ClinVar variation 3948358 (VCV003948358.2).